The following is an entry in ClinVar:

ClinVar aggregate classification (germline): Uncertain significance (1 of 4 stars; one submission).

Conditions:
Brugada syndrome. Also called: Sudden unexpected nocturnal death syndrome; Sudden Unexplained Death Syndrome; Sudden Unexplained Nocturnal Death Syndrome (SUNDS); Sudden unexplained nocturnal death syndrome. Identifiers: Orphanet 130, MedGen C1142166, MONDO:0015263.

Submission:

Labcorp Genetics (formerly Invitae), Labcorp
Classification: Uncertain significance for Brugada syndrome. Last evaluated: 2025-12-23. Review status: criteria provided, single submitter. Criteria: Invitae Variant Classification Sherloc (09022015). Collection method: clinical testing. Allele origin: germline.
Comment: This sequence change replaces glutamic acid, which is acidic and polar, with glutamine, which is neutral and polar, at codon 1239 of the SCN10A protein (p.Glu1239Gln). This variant is not present in population databases (gnomAD no frequency). This variant has not been reported in the literature in individuals affected with SCN10A-related conditions. Invitae Evidence Modeling of protein sequence and biophysical properties (such as structural, functional, and spatial information, amino acid conservation, physicochemical variation, residue mobility, and thermodynamic stability) indicates that this missense variant is not expected to disrupt SCN10A protein function with a negative predictive value of 80%. In summary, the available evidence is currently insufficient to determine the role of this variant in disease. Therefore, it has been classified as a Variant of Uncertain Significance.

NM_006514.4(SCN10A):c.3715G>C (p.Glu1239Gln)

Gene: SCN10A (sodium voltage-gated channel alpha subunit 10; minus strand). Cytogenetic location: 3p22.2.
Variant type: single nucleotide variant.
Coding change: c.3715G>C on transcript NM_006514.4 (MANE Select); coding-DNA position 3715, G replaced by C.
Protein change: p.Glu1239Gln; replaces glutamic acid 1239 with glutamine.
Molecular consequence: missense variant.
Genome position (GRCh38, 1-based): chr3:38,714,047, C>G on the plus strand (G>C on the coding strand, the complement: SCN10A is on the minus strand). VCF-style: chr3-38714047-C-G. GRCh37 (hg19) VCF-style: chr3-38755538-C-G.
Other names: c.3712G>C, p.Glu1238Gln (NM_001293306.2); c.3421G>C, p.Glu1141Gln (NM_001293307.2); short protein forms E1141Q, E1238Q, E1239Q.
Identifiers: ClinVar variation 4811334 (VCV004811334.1).